The following is an entry in ClinVar:

NM_000492.4(CFTR):c.409_412del (p.Leu137fs)

Gene: CFTR (CF transmembrane conductance regulator; plus strand). Cytogenetic location: 7q31.2.
Variant type: Deletion.
Coding change: c.409_412del on transcript NM_000492.4 (MANE Select); coding-DNA positions 409 to 412, 4 bases deleted (CTCC; older notation c.409_412delCTCC).
Protein change: p.Leu137fs; shifts the reading frame from leucine 137.
Molecular consequence: frameshift variant.
Genome position (GRCh38, 1-based): chr7:117,531,034-117,531,037, CTCC deleted. VCF-style (leftmost placement, unchanged base first): chr7-117531033-GCTCC-G. GRCh37 (hg19) VCF-style: chr7-117171087-GCTCC-G.
Other names: c.409_412delCTCC (NM_000492.3, NM_000492.4); short protein forms L137fs.
Identifiers: ClinVar variation 53886 (VCV000053886.11), dbSNP rs397508671, ClinGen allele CA327396.

ClinVar aggregate classification (germline): Pathogenic. Review status: criteria provided, multiple submitters, no conflicts (2 of 4 stars). 5 submissions from 5 submitters: Pathogenic (4). 1 of the submissions does not count toward it. Last evaluated 2024-12-06.

Conditions:
Cystic fibrosis (CF). Also called: MUCOVISCIDOSIS. Identifiers: Orphanet 586, MedGen C0010674, MONDO:0009061, OMIM 219700. Disease mechanism: loss of function.

Allele frequency attached by ClinVar (database versions not stated): gnomAD exomes below 0.00001.

Submissions (5):

Women's Health and Genetics/Laboratory Corporation of America, LabCorp
Classification: Pathogenic for Cystic fibrosis. Last evaluated: 2024-12-06. Review status: criteria provided, single submitter. Criteria: LabCorp Variant Classification Summary - May 2015. Collection method: clinical testing. Allele origin: germline.
Comment: Variant summary: CFTR c.409_412delCTCC (p.Leu137TyrfsX15) results in a premature termination codon, predicted to cause a truncation of the encoded protein or absence of the protein due to nonsense mediated decay, which are commonly known mechanisms for disease. The variant was absent in 250744 control chromosomes. c.409_412delCTCC has been reported in the literature in at-least one individual affected with Cystic Fibrosis (example: Marechal_2001). The following publication has been ascertained in the context of this evaluation (PMID: 23612672). ClinVar contains an entry for this variant (Variation ID: 53886). Based on the evidence outlined above, the variant was classified as pathogenic.

Labcorp Genetics (formerly Invitae), Labcorp
Classification: Pathogenic for Cystic fibrosis. Last evaluated: 2024-03-29. Review status: criteria provided, single submitter. Criteria: Invitae Variant Classification Sherloc (09022015). Collection method: clinical testing. Allele origin: germline.
Comment: This sequence change creates a premature translational stop signal (p.Leu137Tyrfs*15) in the CFTR gene. It is expected to result in an absent or disrupted protein product. Loss-of-function variants in CFTR are known to be pathogenic (PMID: 1695717, 7691345, 9725922). This variant is not present in population databases (gnomAD no frequency). This premature translational stop signal has been observed in individual(s) with cystic fibrosis (PMID: 11379874). This variant is also known as 541 Del CTCC. ClinVar contains an entry for this variant (Variation ID: 53886). For these reasons, this variant has been classified as Pathogenic.

Mendelics
Classification: Pathogenic for Cystic fibrosis. Last evaluated: 2018-11-05. Review status: criteria provided, single submitter. Criteria: Mendelics Assertion Criteria 2017. Collection method: clinical testing. Allele origin: unknown. Affected: yes.

CFTR-France
Classification: Pathogenic for cystic fibrosis. Last evaluated: 2018-01-29. Review status: criteria provided, single submitter. Criteria: Claustres M et al. (Hum Mutat 2017). Collection method: curation. Allele origin: germline. Affected: yes.

ClinVar Staff, National Center for Biotechnology Information (NCBI)
No classification provided. Condition: CFTR-related disorders. Review status: no classification provided. Collection method: literature only. Allele origin: germline. Affected: yes. Not counted in ClinVar's aggregate classification.

Literature cited by the submitters: PubMed 23612672 (cited by Women's Health and Genetics/Laboratory Corporation of America, LabCorp); PubMed 1695717 (cited by Labcorp Genetics (formerly Invitae), Labcorp); PubMed 7691345 (cited by Labcorp Genetics (formerly Invitae), Labcorp); PubMed 9725922 (cited by Labcorp Genetics (formerly Invitae), Labcorp); PubMed 11379874 (cited by Labcorp Genetics (formerly Invitae), Labcorp and ClinVar Staff, National Center for Biotechnology Information (NCBI)).